The following is an entry in ClinVar:

ClinVar aggregate classification (germline): Benign/Likely benign. Review status: criteria provided, multiple submitters, no conflicts (2 of 4 stars). 6 submissions from 6 submitters: Benign (2); Likely benign (3). 1 of the submissions does not count toward it. Last evaluated 2026-04-01.

Conditions:
GRIN2B-related disorder. Also called: GRIN2B-related condition.
Inborn genetic diseases. Identifiers: MedGen C0950123, MeSH D030342.
Intellectual developmental disorder, autosomal dominant 6, with or without seizures. Also called: Intellectual disability, autosomal dominant 6; GRIN2B-related developmental delay, intellectual disability and autism spectrum disorder. Identifiers: Orphanet 589547, MedGen C3151411, MONDO:0013509, OMIM 613970.
Developmental and epileptic encephalopathy, 27 (DEE27). Also called: Epileptic encephalopathy, early infantile, 27; GRIN2B-Related Neurodevelopmental Disorder. Identifiers: Orphanet 3451, MedGen C4015316, MONDO:0014505, OMIM 616139.

Allele frequency attached by ClinVar (database versions not stated): gnomAD 0.00007 and 0.00033; TOPMed 0.00014; gnomAD exomes 0.00105; ExAC 0.00123; 1000 Genomes Project 30x 0.00156; 1000 Genomes Project 0.00180.
gnomAD v4.1: 833 of 1,613,876 alleles (0.052%); highest among the groups gnomAD compares: South Asian, 0.84%; 6 homozygotes.

Submissions (6):

CeGaT Center for Human Genetics Tuebingen
Classification: Likely benign. Last evaluated: 2026-04-01. Review status: criteria provided, single submitter. Criteria: CeGaT Center For Human Genetics Tuebingen Variant Classification Criteria Version 2. Collection method: clinical testing. Allele origin: germline. Affected: yes. Observed: 1 variant allele.
Comment: GRIN2B: BP4, BP7, BS1

Labcorp Genetics (formerly Invitae), Labcorp
Classification: Benign for Developmental and epileptic encephalopathy, 27; Intellectual developmental disorder, autosomal dominant 6, with or without seizures. Last evaluated: 2026-01-21. Review status: criteria provided, single submitter. Criteria: Invitae Variant Classification Sherloc (09022015). Collection method: clinical testing. Allele origin: germline.

Blueprint Genetics
Classification: Likely benign. Last evaluated: 2024-03-24. Review status: criteria provided, single submitter. Criteria: ACMG Guidelines, 2015. Collection method: clinical testing. Allele origin: germline.

Ambry Genetics
Classification: Likely benign for Inborn genetic diseases. Last evaluated: 2016-06-21. Review status: criteria provided, single submitter. Criteria: Ambry Variant Classification Scheme 2023. Collection method: clinical testing. Allele origin: germline.

GeneDx
Classification: Benign. Last evaluated: 2014-05-05. Review status: criteria provided, single submitter. Criteria: GeneDx Variant Classification (06012015). Collection method: clinical testing. Allele origin: germline. Affected: yes.
Comment: This variant is considered likely benign or benign based on one or more of the following criteria: it is a conservative change, it occurs at a poorly conserved position in the protein, it is predicted to be benign by multiple in silico algorithms, and/or has population frequency not consistent with disease.

PreventionGenetics, part of Exact Sciences
Classification: Likely benign for GRIN2B-related condition. Last evaluated: 2019-02-28. Review status: no assertion criteria provided. Collection method: clinical testing. Allele origin: germline. Not counted in ClinVar's aggregate classification.
Comment: This variant is classified as likely benign based on ACMG/AMP sequence variant interpretation guidelines (Richards et al. 2015 PMID: 25741868, with internal and published modifications).

NM_000834.5(GRIN2B):c.2628G>A (p.Ala876=)

Gene: GRIN2B (glutamate ionotropic receptor NMDA type subunit 2B; minus strand). Cytogenetic location: 12p13.1.
Variant type: single nucleotide variant.
Coding change: c.2628G>A on transcript NM_000834.5 (MANE Select); coding-DNA position 2628, G replaced by A.
Protein change: p.Ala876=; no amino-acid change (alanine 876 retained).
Molecular consequence: synonymous variant.
Genome position (GRCh38, 1-based): chr12:13,564,610, C>T on the plus strand (G>A on the coding strand, the complement: GRIN2B is on the minus strand). VCF-style: chr12-13564610-C-T. GRCh37 (hg19) VCF-style: chr12-13717544-C-T.
Other names: p.A876A:GCG>GCA.
Identifiers: ClinVar variation 137519 (VCV000137519.20), dbSNP rs199710029, ClinGen allele CA291133.
Genomic context (GRCh38, chr12:13,564,610, plus strand): 5'-GGAGTGTGTGTTGTTCATGGTTGCGGTGGGGGAGTTCATTACAGACTGGCGCTCCTCGAT[C>T]GCCACCCCATGGATGCAGCTGTAGATACCCTGAAGCAAGAATGGAGGGACAGGTTAGATC-3'
Protein context (NP_000825.2, residues 866-886): RGIYSCIHGV[Ala876=]IEERQSVMNS